The following is an entry in ClinVar:

ClinVar aggregate classification (germline): Uncertain significance (1 of 4 stars; one submission).

Allele frequency attached by ClinVar (database versions not stated): ExAC 0.00001; gnomAD 0.00001; gnomAD exomes 0.00001; TOPMed 0.00002.

Submission:

Labcorp Genetics (formerly Invitae), Labcorp
Classification: Uncertain significance. Last evaluated: 2022-09-13. Review status: criteria provided, single submitter. Criteria: Invitae Variant Classification Sherloc (09022015). Collection method: clinical testing. Allele origin: germline.
Comment: This sequence change replaces alanine, which is neutral and non-polar, with valine, which is neutral and non-polar, at codon 360 of the HPS6 protein (p.Ala360Val). This variant is present in population databases (rs754645895, gnomAD 0.009%). This variant has not been reported in the literature in individuals affected with HPS6-related conditions. ClinVar contains an entry for this variant (Variation ID: 1501165). Advanced modeling of protein sequence and biophysical properties (such as structural, functional, and spatial information, amino acid conservation, physicochemical variation, residue mobility, and thermodynamic stability) performed at Invitae indicates that this missense variant is not expected to disrupt HPS6 protein function. In summary, the available evidence is currently insufficient to determine the role of this variant in disease. Therefore, it has been classified as a Variant of Uncertain Significance.

NM_024747.6(HPS6):c.1079C>T (p.Ala360Val)

Gene: HPS6 (HPS6 biogenesis of lysosomal organelles complex 2 subunit 3; plus strand). Cytogenetic location: 10q24.32.
Variant type: single nucleotide variant.
Coding change: c.1079C>T on transcript NM_024747.6 (MANE Select); coding-DNA position 1079, C replaced by T.
Protein change: p.Ala360Val; replaces alanine 360 with valine.
Molecular consequence: missense variant.
Genome position (GRCh38, 1-based): chr10:102,066,553, C>T. VCF-style: chr10-102066553-C-T. GRCh37 (hg19) VCF-style: chr10-103826310-C-T.
Other names: short protein forms A360V.
Identifiers: ClinVar variation 1501165 (VCV001501165.5), dbSNP rs754645895, ClinGen allele CA5659914.